The following is an entry in ClinVar:

NM_000384.3(APOB):c.12427G>C (p.Glu4143Gln)

Gene: APOB (apolipoprotein B; minus strand). Cytogenetic location: 2p24.1.
Variant type: single nucleotide variant.
Coding change: c.12427G>C on transcript NM_000384.3 (MANE Select); coding-DNA position 12427, G replaced by C.
Protein change: p.Glu4143Gln; replaces glutamic acid 4143 with glutamine.
Molecular consequence: missense variant.
Genome position (GRCh38, 1-based): chr2:21,002,995, C>G on the plus strand (G>C on the coding strand, the complement: APOB is on the minus strand). VCF-style: chr2-21002995-C-G. GRCh37 (hg19) VCF-style: chr2-21225867-C-G.
Other names: c.12427G>C (NM_000384.2); short protein forms E4143Q.
Identifiers: ClinVar variation 2932377 (VCV002932377.4), dbSNP rs779090570, ClinGen allele CA345971276.

ClinVar aggregate classification (germline): Conflicting classifications of pathogenicity. Review status: criteria provided, conflicting classifications (1 of 4 stars). 2 submissions from 2 submitters: Uncertain significance (1); Likely benign (1). Last evaluated 2026-07-01.

Conditions:
Familial hypobetalipoproteinemia 1. Also called: APOB-Related Familial Hypobetalipoproteinemia; Hypobetalipoproteinemia, normotriglyceridemic; Acanthocytosis with hypobetalipoproteinemia. Identifiers: MedGen C4551990, MONDO:0014252, OMIM 615558.
Hypercholesterolemia, autosomal dominant, type B (FHCL2). Also called: Familial hypercholesterolemia 2; Hyperlipoproteinemia Type IIb; Familial Hypercholesterolemia Type B; APOB-Related Familial Hypercholesterolemia, Autosomal Dominant; APOLIPOPROTEIN B-100, FAMILIAL DEFECTIVE; APOLIPOPROTEIN B-100, FAMILIAL LIGAND-DEFECTIVE. Identifiers: MedGen C1704417, MONDO:0007751, OMIM 144010.
Cardiovascular phenotype. Identifiers: MedGen CN230736.

Submissions (2):

Ambry Genetics
Classification: Likely benign for Cardiovascular phenotype. Last evaluated: 2026-07-01. Review status: criteria provided, single submitter. Criteria: Ambry Variant Classification Scheme 2023. Collection method: clinical testing. Allele origin: germline.

Labcorp Genetics (formerly Invitae), Labcorp
Classification: Uncertain significance for Familial hypobetalipoproteinemia 1; Hypercholesterolemia, autosomal dominant, type B. Last evaluated: 2023-05-11. Review status: criteria provided, single submitter. Criteria: Invitae Variant Classification Sherloc (09022015). Collection method: clinical testing. Allele origin: germline.
Comment: This sequence change replaces glutamic acid, which is acidic and polar, with glutamine, which is neutral and polar, at codon 4143 of the APOB protein (p.Glu4143Gln). This variant is not present in population databases (gnomAD no frequency). This variant has not been reported in the literature in individuals affected with APOB-related conditions. Advanced modeling of protein sequence and biophysical properties (such as structural, functional, and spatial information, amino acid conservation, physicochemical variation, residue mobility, and thermodynamic stability) performed at Invitae indicates that this missense variant is not expected to disrupt APOB protein function. In summary, the available evidence is currently insufficient to determine the role of this variant in disease. Therefore, it has been classified as a Variant of Uncertain Significance.